The following is an entry in ClinVar:

ClinVar aggregate classification (germline): Likely benign. Review status: criteria provided, multiple submitters, no conflicts (2 of 4 stars). 5 submissions from 5 submitters: Likely benign (5). Last evaluated 2024-08-29.

Conditions:
Charcot-Marie-Tooth disease type 2. Also called: Charcot-Marie-Tooth type 2. Identifiers: Orphanet 64746, MedGen C0270914, MONDO:0018993.
Cardiomyopathy (CMYO). Also called: Cardiomyopathies. Identifiers: Orphanet 167848, MedGen C0878544, MONDO:0004994, HP:0001638. Inheritance: Various modes of inheritance.
Cardiovascular phenotype. Identifiers: MedGen CN230736.
Primary dilated cardiomyopathy (DCM). Also called: Dilated Cardiomyopathy. Identifiers: Orphanet 217604, MedGen C0007193, MeSH D002311, MONDO:0005021, HP:0001644. Inheritance: Various modes of inheritance.

Allele frequency attached by ClinVar (database versions not stated): TOPMed below 0.00001; gnomAD 0.00001; gnomAD exomes 0.00002; ExAC 0.00004.
gnomAD v4.1: 64 of 1,614,070 alleles (0.004%); highest among the groups gnomAD compares: Non-Finnish European, 0.0047%; no homozygotes.

Submissions (5):

Labcorp Genetics (formerly Invitae), Labcorp
Classification: Likely benign for Charcot-Marie-Tooth disease type 2. Last evaluated: 2024-08-29. Review status: criteria provided, single submitter. Criteria: Invitae Variant Classification Sherloc (09022015). Collection method: clinical testing. Allele origin: germline.

Blueprint Genetics
Classification: Likely benign. Last evaluated: 2024-07-16. Review status: criteria provided, single submitter. Criteria: ACMG Guidelines, 2015. Collection method: clinical testing. Allele origin: germline.

All of Us Research Program, National Institutes of Health
Classification: Likely benign for Primary dilated cardiomyopathy. Last evaluated: 2024-05-14. Review status: criteria provided, single submitter. Criteria: ACMG Guidelines, 2015. Collection method: clinical testing. Allele origin: germline. Inheritance: Autosomal dominant inheritance. Observed: 1 variant allele, 1 heterozygote.
Comment: This study involves interpretation of variants in research participants for the purpose of population health screening. Participant phenotype was not available at the time of variant classification. Additional details can be found in publication PMID: 35346344, PMCID: PMC8962531

Color Diagnostics, LLC DBA Color Health
Classification: Likely benign for Cardiomyopathy. Last evaluated: 2024-05-07. Review status: criteria provided, single submitter. Criteria: ACMG Guidelines, 2015. Collection method: clinical testing. Allele origin: germline.

Ambry Genetics
Classification: Likely benign for Cardiovascular phenotype. Last evaluated: 2022-12-14. Review status: criteria provided, single submitter. Criteria: Ambry Variant Classification Scheme 2023. Collection method: clinical testing. Allele origin: germline.

NM_170707.4(LMNA):c.573G>A (p.Val191=)

Gene: LMNA (lamin A/C; plus strand). Cytogenetic location: 1q22.
Variant type: single nucleotide variant.
Coding change: c.573G>A on transcript NM_170707.4 (MANE Select); coding-DNA position 573, G replaced by A.
Protein change: p.Val191=; no amino-acid change (valine 191 retained).
Molecular consequence: synonymous variant.
Genome position (GRCh38, 1-based): chr1:156,134,462, G>A. VCF-style: chr1-156134462-G-A. GRCh37 (hg19) VCF-style: chr1-156104253-G-A.
Other names: c.573G>A (NM_170707.2); c.237G>A, p.Val79= (NM_001257374.3); c.330G>A, p.Val110= (NM_001282624.2); c.573G>A, p.Val191= (NM_001282625.2, NM_001282626.2, NM_005572.4 and 1 more transcripts).
Identifiers: ClinVar variation 659519 (VCV000659519.10), dbSNP rs754525930, ClinGen allele CA053768.
Genomic context (GRCh38, chr1:156,134,462, plus strand): 5'-GCTTGAGGCAGCCCTAGGTGAGGCCAAGAAGCAACTTCAGGATGAGATGCTGCGGCGGGT[G>A]GATGCTGAGAACAGGCTGCAGACCATGAAGGAGGAACTGGACTTCCAGAAGAACATCTAC-3'
Protein context (NP_733821.1, residues 181-201): KQLQDEMLRR[Val191=]DAENRLQTMK